The following is an entry in ClinVar:

NM_152564.5(VPS13B):c.11087G>A (p.Arg3696Gln)

Gene: VPS13B (vacuolar protein sorting 13 homolog B; plus strand). Cytogenetic location: 8q22.2.
Variant type: single nucleotide variant.
Coding change: c.11087G>A on transcript NM_152564.5 (MANE Select); coding-DNA position 11087, G replaced by A.
Protein change: p.Arg3696Gln; replaces arginine 3696 with glutamine.
Molecular consequence: missense variant.
Genome position (GRCh38, 1-based): chr8:99,861,818, G>A. VCF-style: chr8-99861818-G-A. GRCh37 (hg19) VCF-style: chr8-100874046-G-A.
Other names: c.11162G>A, p.Arg3721Gln (NM_017890.5); c.11162G>A (NM_017890.3); c.11087G>A (NM_152564.4); short protein forms R3696Q, R3721Q.
Identifiers: ClinVar variation 361095 (VCV000361095.15), dbSNP rs757726642, ClinGen allele CA4825141.

ClinVar aggregate classification (germline): Uncertain significance. Review status: criteria provided, multiple submitters, no conflicts (2 of 4 stars). 7 submissions from 7 submitters: Uncertain significance (5). 2 of the submissions do not count toward it. Last evaluated 2022-10-13.

Conditions:
Cohen syndrome (COH1). Also called: PEPPER SYNDROME; Cutis verticis gyrata, retinitis pigmentosa, and sensorineural deafness. Identifiers: Orphanet 193, MedGen C0265223, MONDO:0008999, OMIM 216550.
VPS13B-related disorder. Also called: VPS13B-related condition.
Inborn genetic diseases. Identifiers: MedGen C0950123, MeSH D030342.

Allele frequency attached by ClinVar (database versions not stated): gnomAD 0.00001; gnomAD exomes 0.00003; TOPMed 0.00005; ExAC 0.00006.
gnomAD v4.1: 70 of 1,598,576 alleles (0.0044%); highest among the groups gnomAD compares: African/African-American, 0.0067%; no homozygotes.

Submissions (7):

Labcorp Genetics (formerly Invitae), Labcorp
Classification: Uncertain significance for Cohen syndrome. Last evaluated: 2022-10-13. Review status: criteria provided, single submitter. Criteria: Invitae Variant Classification Sherloc (09022015). Collection method: clinical testing. Allele origin: germline.
Comment: This sequence change replaces arginine, which is basic and polar, with glutamine, which is neutral and polar, at codon 3721 of the VPS13B protein (p.Arg3721Gln). The frequency data for this variant in the population databases is considered unreliable, as metrics indicate poor data quality at this position in the gnomAD database. This variant has not been reported in the literature in individuals affected with VPS13B-related conditions. ClinVar contains an entry for this variant (Variation ID: 361095). Advanced modeling of protein sequence and biophysical properties (such as structural, functional, and spatial information, amino acid conservation, physicochemical variation, residue mobility, and thermodynamic stability) performed at Invitae indicates that this missense variant is expected to disrupt VPS13B protein function. In summary, the available evidence is currently insufficient to determine the role of this variant in disease. Therefore, it has been classified as a Variant of Uncertain Significance.

Fulgent Genetics
Classification: Uncertain significance for Cohen syndrome. Last evaluated: 2021-10-08. Review status: criteria provided, single submitter. Criteria: ACMG Guidelines, 2015. Collection method: clinical testing. Allele origin: unknown.

Ambry Genetics
Classification: Uncertain significance for Inborn genetic diseases. Last evaluated: 2021-07-13. Review status: criteria provided, single submitter. Criteria: Ambry Variant Classification Scheme 2023. Collection method: clinical testing. Allele origin: germline.

Illumina Laboratory Services, Illumina
Classification: Uncertain significance for Cohen syndrome. Last evaluated: 2018-01-12. Review status: criteria provided, single submitter. Criteria: ICSL Variant Classification Criteria 13 December 2019. Collection method: clinical testing. Allele origin: germline.

Athena Diagnostics
Classification: Uncertain significance. Last evaluated: 2017-10-25. Review status: criteria provided, single submitter. Criteria: Athena Diagnostics Criteria. Collection method: clinical testing. Allele origin: germline.

PreventionGenetics, part of Exact Sciences
Classification: Uncertain significance for VPS13B-related condition. Last evaluated: 2024-06-21. Review status: no assertion criteria provided. Collection method: clinical testing. Allele origin: germline. Not counted in ClinVar's aggregate classification.
Comment: The VPS13B c.11087G>A variant is predicted to result in the amino acid substitution p.Arg3696Gln. To our knowledge, this variant has not been reported in the literature. This variant is reported in 0.015% of alleles in individuals of African descent in gnomAD. At this time, the clinical significance of this variant is uncertain due to the absence of conclusive functional and genetic evidence.

Natera, Inc.
Classification: Uncertain significance for Cohen syndrome. Last evaluated: 2020-01-30. Review status: no assertion criteria provided. Collection method: clinical testing. Allele origin: germline. Not counted in ClinVar's aggregate classification.